The following is an entry in ClinVar:

ClinVar aggregate classification (germline): Uncertain significance (1 of 4 stars; one submission).

Allele frequency attached by ClinVar (database versions not stated): gnomAD exomes below 0.00001 and 0.00001; ExAC 0.00001; gnomAD 0.00001; TOPMed 0.00001; 1000 Genomes Project 30x 0.00016; 1000 Genomes Project 0.00020.
gnomAD v4.1: 3 of 1,604,670 alleles (0.00019%); highest among the groups gnomAD compares: East Asian, 0.0067%; no homozygotes.

Submission:

Labcorp Genetics (formerly Invitae), Labcorp
Classification: Uncertain significance. Last evaluated: 2021-10-11. Review status: criteria provided, single submitter. Criteria: Invitae Variant Classification Sherloc (09022015). Collection method: clinical testing. Allele origin: germline.
Comment: Algorithms developed to predict the effect of missense changes on protein structure and function are either unavailable or do not agree on the potential impact of this missense change (SIFT: "Tolerated"; PolyPhen-2: "Probably Damaging"; Align-GVGD: "Class C0"). This sequence change replaces proline with alanine at codon 25 of the TMEM126A protein (p.Pro25Ala). The proline residue is highly conserved and there is a small physicochemical difference between proline and alanine. This variant is present in population databases (rs533106231, ExAC 0.01%). This variant has not been reported in the literature in individuals affected with TMEM126A-related conditions. In summary, the available evidence is currently insufficient to determine the role of this variant in disease. Therefore, it has been classified as a Variant of Uncertain Significance.

NM_032273.4(TMEM126A):c.73C>G (p.Pro25Ala)

Gene: TMEM126A (transmembrane protein 126A; plus strand). Cytogenetic location: 11q14.1.
Variant type: single nucleotide variant.
Coding change: c.73C>G on transcript NM_032273.4 (MANE Select); coding-DNA position 73, C replaced by G.
Protein change: p.Pro25Ala; replaces proline 25 with alanine.
Molecular consequence: missense variant. On other transcripts: intron variant (1).
Genome position (GRCh38, 1-based): chr11:85,650,328, C>G. VCF-style: chr11-85650328-C-G. GRCh37 (hg19) VCF-style: chr11-85361372-C-G.
Other names: c.-125+2239C>G (NM_001244735.2); short protein forms P25A.
Identifiers: ClinVar variation 1524332 (VCV001524332.6), dbSNP rs533106231, ClinGen allele CA6212668.